The following is an entry in ClinVar:

ClinVar aggregate classification (germline): Uncertain significance. Review status: criteria provided, multiple submitters, no conflicts (2 of 4 stars). 2 submissions from 2 submitters: Uncertain significance (2). Last evaluated 2025-08-05.

gnomAD v4.1: 2 of 1,614,168 alleles (0.00012%); highest among the groups gnomAD compares: Non-Finnish European, 0.00017%; no homozygotes.

Submissions (2):

Ambry Genetics
Classification: Uncertain significance. Last evaluated: 2025-08-05. Review status: criteria provided, single submitter. Criteria: Ambry Variant Classification Scheme 2023. Collection method: clinical testing. Allele origin: germline.

Labcorp Genetics (formerly Invitae), Labcorp
Classification: Uncertain significance. Last evaluated: 2025-03-03. Review status: criteria provided, single submitter. Criteria: Invitae Variant Classification Sherloc (09022015). Collection method: clinical testing. Allele origin: germline.
Comment: This sequence change replaces alanine, which is neutral and non-polar, with serine, which is neutral and polar, at codon 376 of the GALNT12 protein (p.Ala376Ser). This variant is not present in population databases (gnomAD no frequency). This variant has not been reported in the literature in individuals affected with GALNT12-related conditions. ClinVar contains an entry for this variant (Variation ID: 1510777). Invitae Evidence Modeling of protein sequence and biophysical properties (such as structural, functional, and spatial information, amino acid conservation, physicochemical variation, residue mobility, and thermodynamic stability) indicates that this missense variant is not expected to disrupt GALNT12 protein function with a negative predictive value of 80%. In summary, the available evidence is currently insufficient to determine the role of this variant in disease. Therefore, it has been classified as a Variant of Uncertain Significance.

NM_024642.5(GALNT12):c.1126G>T (p.Ala376Ser)

Gene: GALNT12 (polypeptide N-acetylgalactosaminyltransferase 12; plus strand). Cytogenetic location: 9q22.33.
Variant type: single nucleotide variant.
Coding change: c.1126G>T on transcript NM_024642.5 (MANE Select); coding-DNA position 1126, G replaced by T.
Protein change: p.Ala376Ser; replaces alanine 376 with serine.
Molecular consequence: missense variant.
Genome position (GRCh38, 1-based): chr9:98,837,062, G>T. VCF-style: chr9-98837062-G-T. GRCh37 (hg19) VCF-style: chr9-101599344-G-T.
Other names: short protein forms A376S.
Identifiers: ClinVar variation 1510777 (VCV001510777.10), dbSNP rs765486750, ClinGen allele CA374219849.